The following is an entry in ClinVar:

NM_000059.4(BRCA2):c.1490C>G (p.Ser497Ter)

Gene: BRCA2 (BRCA2 DNA repair associated; plus strand). Cytogenetic location: 13q13.1.
Variant type: single nucleotide variant.
Coding change: c.1490C>G on transcript NM_000059.4 (MANE Select); coding-DNA position 1490, C replaced by G.
Protein change: p.Ser497Ter; replaces serine 497 with a stop codon.
Molecular consequence: nonsense.
Genome position (GRCh38, 1-based): chr13:32,332,968, C>G. VCF-style: chr13-32332968-C-G. GRCh37 (hg19) VCF-style: chr13-32907105-C-G.
Other names: short protein forms S497*.
Identifiers: ClinVar variation 531313 (VCV000531313.20), dbSNP rs1064794018, ClinGen allele CA387764450.

ClinVar aggregate classification (germline): Pathogenic. Review status: criteria provided, multiple submitters, no conflicts (2 of 4 stars). 4 submissions from 4 submitters: Pathogenic (4). Last evaluated 2025-11-03.

Conditions:
Hereditary cancer-predisposing syndrome. Also called: Hereditary neoplastic syndrome; Neoplastic Syndromes, Hereditary; Tumor predisposition; Hereditary Cancer Syndrome. Identifiers: Orphanet 140162, MedGen C0027672, MeSH D009386, MONDO:0015356.
Hereditary breast ovarian cancer syndrome. Also called: Hereditary breast and ovarian cancer syndrome (HBOC); BRCA1- and BRCA2-Associated Hereditary Breast and Ovarian Cancer; Hereditary breast and ovarian cancer syndrome; Breast and ovarian cancer; Hereditary breast and ovarian cancer; Hereditary breast and/or ovarian cancer syndrome. Identifiers: Orphanet 145, MedGen C0677776, MeSH D061325, MONDO:0003582. Disease mechanism: loss of function.
BRCA2-related cancer predisposition. Identifiers: MedGen CN377758, MONDO:0700269.

gnomAD v4.1: 1 of 1,598,630 alleles (0.000063%); highest among the groups gnomAD compares: Non-Finnish European, 0.000085%; no homozygotes.

Submissions (4):

Ambry Genetics
Classification: Pathogenic for Hereditary cancer-predisposing syndrome. Last evaluated: 2025-11-03. Review status: criteria provided, single submitter. Criteria: Ambry Variant Classification Scheme 2023. Collection method: clinical testing. Allele origin: germline.
Comment: The p.S497* pathogenic mutation (also known as c.1490C>G), located in coding exon 9 of the BRCA2 gene, results from a C to G substitution at nucleotide position 1490. This changes the amino acid from a serine to a stop codon within coding exon 9. This variant is considered to be rare based on population cohorts in the Genome Aggregation Database (gnomAD). This alteration is expected to result in loss of function by premature protein truncation or nonsense-mediated mRNA decay. As such, this alteration is interpreted as a disease-causing mutation.

All of Us Research Program, National Institutes of Health
Classification: Pathogenic for BRCA2-related cancer predisposition. Last evaluated: 2024-07-29. Review status: criteria provided, single submitter. Criteria: ACMG Guidelines, 2015. Collection method: clinical testing. Allele origin: germline. Inheritance: Autosomal dominant inheritance. Observed: 1 variant allele, 1 heterozygote.
Comment: This variant changes 1 nucleotide in exon 10 of the BRCA2 gene, creating a premature translation stop signal. This variant is expected to result in an absent or non-functional protein product. To our knowledge, this variant has not been reported in individuals affected with BRCA2-related disorders in the literature. This variant has not been identified in the general population by the Genome Aggregation Database (gnomAD). Loss of BRCA2 function is a known mechanism of disease. Based on the available evidence, this variant is classified as Pathogenic.

This study involves interpretation of variants in research participants for the purpose of population health screening. Participant phenotype was not available at the time of variant classification. Additional details can be found in publication PMID: 35346344, PMCID: PMC8962531

Color Diagnostics, LLC DBA Color Health
Classification: Pathogenic for Hereditary cancer-predisposing syndrome. Last evaluated: 2024-06-05. Review status: criteria provided, single submitter. Criteria: ACMG Guidelines, 2015. Collection method: clinical testing. Allele origin: germline.
Comment: This variant changes 1 nucleotide in exon 10 of the BRCA2 gene, creating a premature translation stop signal. This variant is expected to result in an absent or non-functional protein product. To our knowledge, this variant has not been reported in individuals affected with BRCA2-related disorders in the literature. This variant has not been identified in the general population by the Genome Aggregation Database (gnomAD). Loss of BRCA2 function is a known mechanism of disease. Based on the available evidence, this variant is classified as Pathogenic.

Labcorp Genetics (formerly Invitae), Labcorp
Classification: Pathogenic for Hereditary breast ovarian cancer syndrome. Last evaluated: 2021-10-08. Review status: criteria provided, single submitter. Criteria: Invitae Variant Classification Sherloc (09022015). Collection method: clinical testing. Allele origin: germline.
Comment: For these reasons, this variant has been classified as Pathogenic. Loss-of-function variants in BRCA2 are known to be pathogenic (PMID: 20104584). This variant has not been reported in the literature in individuals with BRCA2-related disease. This variant is not present in population databases (ExAC no frequency). This sequence change creates a premature translational stop signal (p.Ser497*) in the BRCA2 gene. It is expected to result in an absent or disrupted protein product.

Literature cited by the submitters: PubMed 20104584 (cited by Labcorp Genetics (formerly Invitae), Labcorp).